The following is an entry in ClinVar:

NM_000059.4(BRCA2):c.6937+1G>T

Gene: BRCA2 (BRCA2 DNA repair associated; plus strand). Cytogenetic location: 13q13.1.
Variant type: single nucleotide variant.
Coding change: c.6937+1G>T on transcript NM_000059.4 (MANE Select); the canonical splice donor site of the intron after coding-DNA position 6937, G replaced by T.
Molecular consequence: splice donor variant. On other transcripts: intron variant (1).
Genome position (GRCh38, 1-based): chr13:32,344,654, G>T. VCF-style: chr13-32344654-G-T. GRCh37 (hg19) VCF-style: chr13-32918791-G-T.
Other names: c.6937+1G>T (NM_001406720.1); c.6842-2173G>T (NM_001406719.1); c.2005+1G>T (NM_001406721.1); c.520+1G>T (NM_001406722.1).
Identifiers: ClinVar variation 419748 (VCV000419748.2), dbSNP rs886040935, ClinGen allele CA16619753.
Genomic context (GRCh38, chr13:32,344,654, plus strand): 5'-TTGACAGGATAATAGAAAATCAAGAAAAATCCTTAAAGGCTTCAAAAAGCACTCCAGATG[G>T]TAAAATTAGCTTTTTATTTATATCTGTTCTCCCTCTATAGGTATGGTATATAATATTCTG-3'

ClinVar aggregate classification (germline): Uncertain significance (1 of 4 stars; one submission).

Submission:

GeneDx
Classification: Uncertain significance. Last evaluated: 2015-09-01. Review status: criteria provided, single submitter. Criteria: GeneDx Variant Classification (06012015). Collection method: clinical testing. Allele origin: germline. Affected: yes.
Comment: This variant is denoted BRCA2 c.6937+1G>T or IVS12+1G>T and consists of a G>T nucleotide substitution at the +1 position of intron 12 of the BRCA2 gene. This variant destroys a canonical splice donor site and is predicted to cause abnormal gene splicing. Although this variant has not, to our knowledge, been published in the literature, it is predicted to cause exon 12 skipping, which has been observed in multiple normal tissues and breast and prostate tumors (Bieche 1999, Li 2009). This variant was not observed in approximately 6,500 individuals of European and African American Ancestry in the NHLBL Exome Sequencing Project, suggesting it is not a common benign variant in these populations. Exclusion of exon 12 results in an in-frame deletion of 32 amino acids. Functional assays of the exon 12-deleted BRCA2 transcript demonstrated no difference in DNA repair functions in comparison to wild type (Li 2009). Although canonical splice variants are typically expected to be pathogenic, the clinical effect of BRCA2 c.6937+1G>T is currently unknown, thus it is unclear whether BRCA2 c.6937+1G>T is pathogenic or benign. We consider it to be a variant of uncertain significance.